The following is an entry in ClinVar:

NM_198066.4(GNPNAT1):c.382T>C (p.Cys128Arg)

Gene: GNPNAT1 (glucosamine-phosphate N-acetyltransferase 1; minus strand). Cytogenetic location: 14q22.1.
Variant type: single nucleotide variant.
Coding change: c.382T>C on transcript NM_198066.4 (MANE Select); coding-DNA position 382, T replaced by C.
Protein change: p.Cys128Arg; replaces cysteine 128 with arginine.
Molecular consequence: missense variant.
Genome position (GRCh38, 1-based): chr14:52,780,704, A>G on the plus strand (T>C on the coding strand, the complement: GNPNAT1 is on the minus strand). VCF-style: chr14-52780704-A-G. GRCh37 (hg19) VCF-style: chr14-53247422-A-G.
Other names: short protein forms C128R.
Identifiers: ClinVar variation 3336725 (VCV003336725.1).

ClinVar aggregate classification (germline): Uncertain significance (1 of 4 stars; one submission).

Conditions:
Rhizomelic dysplasia, Ain-Naz type. Identifiers: MedGen C5562013, MONDO:0859203, OMIM 619598.

Submission:

Kasturba Medical College, Manipal, Kasturba Medical College, Manipal, Manipal Academy of Higher Education, Manipal, India
Classification: Uncertain significance for Rhizomelic dysplasia, Ain-Naz type. Review status: criteria provided, single submitter. Criteria: ACMG Guidelines, 2015. Collection method: clinical testing. Allele origin: unknown. Inheritance: Autosomal dominant inheritance with paternal imprinting. Affected: yes. Observed: 1 homozygote.
Comment: In-silico analysis (Mutation taster, REVEL, CADD_phred) are consistent in predicting that the variant is affecting the GNPNAT1 protein function